The following is an entry in ClinVar:

ClinVar aggregate classification (germline): Uncertain significance (1 of 4 stars; one submission).

Conditions:
Landau-Kleffner syndrome (FESD). Also called: EPILEPSY, FOCAL, WITH SPEECH DISORDER AND WITH OR WITHOUT MENTAL RETARDATION; APHASIA, ACQUIRED, WITH EPILEPSY. Identifiers: Orphanet 1945, Orphanet 725, Orphanet 98818, MedGen C0282512, MONDO:0009509, OMIM 245570.

Submission:

Labcorp Genetics (formerly Invitae), Labcorp
Classification: Uncertain significance for Landau-Kleffner syndrome. Last evaluated: 2025-06-15. Review status: criteria provided, single submitter. Criteria: Invitae Variant Classification Sherloc (09022015). Collection method: clinical testing. Allele origin: germline.
Comment: This variant, c.4310_4312del, results in the deletion of 1 amino acid(s) of the GRIN2A protein (p.Asn1437del), but otherwise preserves the integrity of the reading frame. This variant is present in population databases (no rsID available, gnomAD 0.006%). This variant has not been reported in the literature in individuals affected with GRIN2A-related conditions. Experimental studies and prediction algorithms are not available or were not evaluated, and the functional significance of this variant is currently unknown. In summary, the available evidence is currently insufficient to determine the role of this variant in disease. Therefore, it has been classified as a Variant of Uncertain Significance.

NM_001134407.3(GRIN2A):c.4307ATA[1] (p.Asn1437del)

Gene: GRIN2A (glutamate ionotropic receptor NMDA type subunit 2A; minus strand). Cytogenetic location: 16p13.2.
Variant type: Microsatellite.
Coding change: c.4307ATA[1] on transcript NM_001134407.3 (MANE Select); one copy of the 3-base unit ATA starting at c.4307; the reference has two copies in a row; one copy, 3 bases deleted.
Protein change: p.Asn1437del; deletes asparagine 1437.
Molecular consequence: 3 prime UTR variant (on NM_001134408.2).
Genome position (GRCh38, 1-based): chr16:9,763,232-9,763,234, TAT deleted on the plus strand (ATA on the coding strand, the reverse complement: GRIN2A is on the minus strand); deleting any 3 consecutive bases within chr16:9,763,232-9,763,238 gives the same sequence; the position shown is the placement nearest the transcript's 3' end. VCF-style (leftmost placement, unchanged base first): chr16-9763231-ATAT-A. GRCh37 (hg19) VCF-style: chr16-9857088-ATAT-A.
Other names: c.4307ATA[1], p.Asn1437del (NM_000833.5); c.*118ATA[1] (NM_001134408.2); short protein forms N1437del.
Identifiers: ClinVar variation 4797415 (VCV004797415.1).